The following is an entry in ClinVar:

ClinVar aggregate classification (germline): Uncertain significance. Review status: criteria provided, single submitter (1 of 4 stars). 2 submissions from 2 submitters: Uncertain significance (1). 1 of the submissions does not count toward it. Last evaluated 2024-10-18.

Conditions:
Thrombocytopenia 2 (THC2). Also called: ANKRD26-Related Thrombocytopenia. Identifiers: Orphanet 268322, MedGen C1861185, MONDO:0008555, OMIM 188000.
ANKRD26-related disorder. Also called: ANKRD26-related condition.

gnomAD v4.1: 16 of 1,548,784 alleles (0.001%); highest among the groups gnomAD compares: Non-Finnish European, 0.0014%; no homozygotes.

Submissions (2):

St. Jude Molecular Pathology, St. Jude Children's Research Hospital
Classification: Uncertain significance for Thrombocytopenia 2. Last evaluated: 2024-10-18. Review status: criteria provided, single submitter. Criteria: St. Jude Assertion Criteria 2020. Collection method: clinical testing. Allele origin: germline.
Comment: The ANKRD26 c.1364-5C>A intronic change results in a C to A substitution at the -5 position of intron 12 of the ANKRD26 gene. Algorithms that predict the impact of sequence changes on splicing indicate that this change may impact splicing, but to our knowledge these predictions have not been confirmed by RNA studies. This variant is absent in gnomAD v2.1.1. To our knowledge, this variant has not been reported in individuals with ANKRD26-related thrombocytopenia. In summary, the evidence currently available is insufficient to determine the clinical significance of this variant. It has therefore been classified as of uncertain significance.

PreventionGenetics, part of Exact Sciences
Classification: Likely benign for ANKRD26-related condition. Last evaluated: 2020-11-13. Review status: no assertion criteria provided. Collection method: clinical testing. Allele origin: germline. Not counted in ClinVar's aggregate classification.
Comment: This variant is classified as likely benign based on ACMG/AMP sequence variant interpretation guidelines (Richards et al. 2015 PMID: 25741868, with internal and published modifications).

NM_014915.3(ANKRD26):c.1364-5C>A

Gene: ANKRD26 (ankyrin repeat domain 26; minus strand). Cytogenetic location: 10p12.1.
Variant type: single nucleotide variant.
Coding change: c.1364-5C>A on transcript NM_014915.3 (MANE Select); 5 bases into the intron before coding-DNA position 1364, C replaced by A.
Molecular consequence: intron variant.
Genome position (GRCh38, 1-based): chr10:27,061,247, G>T on the plus strand (C>A on the coding strand, the complement: ANKRD26 is on the minus strand). VCF-style: chr10-27061247-G-T. GRCh37 (hg19) VCF-style: chr10-27350176-G-T.
Other names: c.1364-5C>A (NM_001256053.2).
Identifiers: ClinVar variation 3031142 (VCV003031142.3), dbSNP rs1049457907, ClinGen allele CA2608609148.